The following is an entry in ClinVar:

NM_001042492.3(NF1):c.7009CTT[1] (p.Leu2338del)

Gene: NF1 (neurofibromin 1; plus strand). Cytogenetic location: 17q11.2.
Variant type: Microsatellite.
Coding change: c.7009CTT[1] on transcript NM_001042492.3 (MANE Select); one copy of the 3-base unit CTT starting at c.7009; the reference has two copies in a row; one copy, 3 bases deleted; also written c.7012_7014del.
Protein change: p.Leu2338del; deletes leucine 2338.
Molecular consequence: inframe deletion. On other transcripts: inframe indel (1).
Genome position (GRCh38, 1-based): chr17:31,340,595-31,340,597, CTT deleted; deleting any 3 consecutive bases within chr17:31,340,592-31,340,597 gives the same sequence; the position shown is the placement nearest the transcript's 3' end. VCF-style (leftmost placement, unchanged base first): chr17-31340591-ACTT-A. GRCh37 (hg19) VCF-style: chr17-29667609-ACTT-A.
Other names: c.7012_7014del (NM_001042492.3); c.6946_6948CTT[1], p.Leu2317del (NM_000267.4); short protein forms L2317del, L2338del.
Identifiers: ClinVar variation 1002113 (VCV001002113.8), dbSNP rs2069792818, ClinGen allele CA2255603943.

ClinVar aggregate classification (germline): Conflicting classifications of pathogenicity. Review status: criteria provided, conflicting classifications (1 of 4 stars). 3 submissions from 3 submitters: Pathogenic (1); Likely pathogenic (1); Uncertain significance (1). Last evaluated 2025-09-10.

Conditions:
Neurofibromatosis, type 1 (NF1). Also called: NEUROFIBROMATOSIS, TYPE I, SOMATIC; Peripheral type neurofibromatosis; VON RECKLINGHAUSEN DISEASE; Neurofibromatosis, type I. Identifiers: Orphanet 636, MedGen C0027831, MONDO:0018975, OMIM 162200. Disease mechanism: loss of function.

Submissions (3):

Genomic Medicine Center of Excellence, King Faisal Specialist Hospital and Research Centre
Classification: Likely pathogenic for Neurofibromatosis, type 1. Last evaluated: 2025-09-10. Review status: criteria provided, single submitter. Criteria: ACMG Guidelines, 2015. Collection method: clinical testing. Allele origin: germline.

Labcorp Genetics (formerly Invitae), Labcorp
Classification: Pathogenic for Neurofibromatosis, type 1. Last evaluated: 2023-07-14. Review status: criteria provided, single submitter. Criteria: Invitae Variant Classification Sherloc (09022015). Collection method: clinical testing. Allele origin: germline.
Comment: This variant disrupts a region of the NF1 protein in which other variant(s) (p.Leu2317Pro) have been determined to be pathogenic (PMID: 10534774, 27322474). This suggests that this is a clinically significant region of the protein, and that variants that disrupt it are likely to be disease-causing. For these reasons, this variant has been classified as Pathogenic. This variant has been observed in individual(s) with neurofibromatosis, type 1 (PMID: 27838393). This variant, c.6949_6951del, results in the deletion of 1 amino acid(s) of the NF1 protein (p.Leu2317del), but otherwise preserves the integrity of the reading frame. This variant is not present in population databases (gnomAD no frequency).

Juno Genomics, Hangzhou Juno Genomics, Inc
Classification: Uncertain significance for Neurofibromatosis, type 1. Review status: criteria provided, single submitter. Criteria: ACMG Guidelines, 2015. Collection method: clinical testing. Allele origin: germline. Affected: yes.
Comment: Absent from controls (or at extremely low frequency if recessive) in Genome Aggregation Database, Exome Sequencing Project, 1000 Genomes Project, or Exome Aggregation Consortium.;Protein length changes due to in-frame deletions/insertions in a non-repeat region or stop-loss variants.;Patient's phenotype or family history is highly specific for a disease with a single genetic etiology.

Literature cited by the submitters: PubMed 10534774 (cited by Labcorp Genetics (formerly Invitae), Labcorp); PubMed 27322474 (cited by Labcorp Genetics (formerly Invitae), Labcorp); PubMed 27838393 (cited by Labcorp Genetics (formerly Invitae), Labcorp).